The following is an entry in ClinVar:

NM_004070.4(CLCNKA):c.1147G>T (p.Asp383Tyr)

Genes: CLCNKA (chloride voltage-gated channel Ka; plus strand), LOC106501712 (CLCNKA recombination region; plus strand). Cytogenetic location: 1p36.13.
Variant type: single nucleotide variant.
Coding change: c.1147G>T on transcript NM_004070.4 (MANE Select); coding-DNA position 1147, G replaced by T.
Protein change: p.Asp383Tyr; replaces aspartic acid 383 with tyrosine.
Molecular consequence: missense variant.
Genome position (GRCh38, 1-based): chr1:16,029,219, G>T. VCF-style: chr1-16029219-G-T. GRCh37 (hg19) VCF-style: chr1-16355714-G-T.
Other names: c.1147G>T, p.Asp383Tyr (NM_001042704.2); c.1018G>T, p.Asp340Tyr (NM_001257139.2); short protein forms D383Y, D340Y.
Identifiers: ClinVar variation 64459 (VCV000064459.3), dbSNP rs387907405, ClinGen allele CA216187.

ClinVar aggregate classification (germline): Uncertain significance. Review status: criteria provided, single submitter (1 of 4 stars). 2 submissions from 2 submitters: Uncertain significance (1). 1 of the submissions does not count toward it. Last evaluated 2021-07-19.

Conditions:
Bartter disease type 4B. Also called: Bartter syndrome, type 4b, digenic; BARTTER SYNDROME, TYPE 4B; BARTTER SYNDROME, TYPE 4B, NEONATAL, WITH SENSORINEURAL DEAFNESS. Identifiers: Orphanet 112, MedGen C4310805, MONDO:0000909, OMIM 613090.

Allele frequency attached by ClinVar (database versions not stated): TOPMed 0.00018; gnomAD exomes 0.00041; ExAC 0.00052; 1000 Genomes Project 30x 0.00078; 1000 Genomes Project 0.00080.
gnomAD v4.1: 428 of 1,613,692 alleles (0.027%); highest among the groups gnomAD compares: Middle Eastern, 0.23%; 1 homozygote.

Submissions (2):

Fulgent Genetics
Classification: Uncertain significance for Bartter disease type 4B. Last evaluated: 2021-07-19. Review status: criteria provided, single submitter. Criteria: ACMG Guidelines, 2015. Collection method: clinical testing. Allele origin: unknown.

Martin Pollak Laboratory,  Beth Israel Deaconess Medical Center
Classification: Uncertain significance. Review status: no assertion criteria provided. Collection method: not provided. Allele origin: unknown. Not counted in ClinVar's aggregate classification.
Comment: Lower UCa2+ group
ClinVar note: Converted during submission from unknown to Uncertain significance.